The following is an entry in ClinVar:

ClinVar aggregate classification (germline): Uncertain significance (1 of 4 stars; one submission).

Conditions:
Dilated cardiomyopathy 1D. Identifiers: Orphanet 154, Orphanet 54260, MedGen C1832243, MONDO:0011095, OMIM 601494.

Submission:

3billion
Classification: Uncertain significance for Dilated cardiomyopathy 1D. Last evaluated: 2022-03-22. Review status: criteria provided, single submitter. Criteria: ACMG Guidelines, 2015. Collection method: clinical testing. Allele origin: germline. Affected: yes. Observed: 1 heterozygote.
Comment: The variant is not observed in the gnomAD v2.1.1 dataset. In silico tool predictions suggest damaging effect of the variant on gene or gene product (REVEL: 0.618>=0.6, 3CNET: 0.99>=0.75). A missense variant is a common mechanism. Therefore, this variant is classified as uncertain significance according to the recommendation of ACMG/AMP guideline.

NM_001276345.2(TNNT2):c.583G>A (p.Gly195Arg)

Gene: TNNT2 (troponin T2, cardiac type; minus strand). Cytogenetic location: 1q32.1.
Variant type: single nucleotide variant.
Coding change: c.583G>A on transcript NM_001276345.2 (MANE Select); coding-DNA position 583, G replaced by A.
Protein change: p.Gly195Arg; replaces glycine 195 with arginine.
Molecular consequence: missense variant.
Genome position (GRCh38, 1-based): chr1:201,363,313, C>T on the plus strand (G>A on the coding strand, the complement: TNNT2 is on the minus strand). VCF-style: chr1-201363313-C-T. GRCh37 (hg19) VCF-style: chr1-201332441-C-T.
Other names: c.583G>A, p.Gly195Arg (NM_000364.4); c.553G>A, p.Gly185Arg (NM_001001430.3, NM_001001431.3, NM_001276347.2); c.538G>A, p.Gly180Arg (NM_001001432.3); c.463G>A, p.Gly155Arg (NM_001276346.2); short protein forms G155R, G180R, G185R, G195R.
Identifiers: ClinVar variation 1526038 (VCV001526038.1), dbSNP rs764777623, ClinGen allele CA344204294.
Genomic context (GRCh38, chr1:201,363,313, plus strand): 5'-CTATACTAGGATCTCCTGGCAACCCCTGCTGCTCCCTACCTACCTTCTGGATGTAACCCC[C>T]AAAATGCATCATGTTGGACAAAGCCTTCTTCTTCCGGGCCTCATCCTCAGCCTTCCTCCT-3'
Protein context (NP_001263274.1, residues 185-205): KKALSNMMHF[Gly195Arg]GYIQKQAQTE